The following is an entry in ClinVar:

ClinVar aggregate classification (germline): Uncertain significance. Review status: criteria provided, multiple submitters, no conflicts (2 of 4 stars). 2 submissions from 2 submitters: Uncertain significance (2). Last evaluated 2025-08-14.

Conditions:
Infantile spasms. Also called: Infantile spasm. Identifiers: MedGen C3887898, HP:0012469.

Submissions (2):

Ambry Genetics
Classification: Uncertain significance. Last evaluated: 2025-08-14. Review status: criteria provided, single submitter. Criteria: Ambry Variant Classification Scheme 2023. Collection method: clinical testing. Allele origin: germline.

Labcorp Genetics (formerly Invitae), Labcorp
Classification: Uncertain significance for Infantile spasms. Last evaluated: 2023-08-17. Review status: criteria provided, single submitter. Criteria: Invitae Variant Classification Sherloc (09022015). Collection method: clinical testing. Allele origin: germline.
Comment: This sequence change replaces aspartic acid, which is acidic and polar, with histidine, which is basic and polar, at codon 128 of the PIK3AP1 protein (p.Asp128His). This variant is not present in population databases (gnomAD no frequency). This variant has not been reported in the literature in individuals affected with PIK3AP1-related conditions. ClinVar contains an entry for this variant (Variation ID: 842865). An algorithm developed to predict the effect of missense changes on protein structure and function (PolyPhen-2) suggests that this variant is likely to be disruptive. In summary, the available evidence is currently insufficient to determine the role of this variant in disease. Therefore, it has been classified as a Variant of Uncertain Significance.

NM_152309.3(PIK3AP1):c.382G>C (p.Asp128His)

Gene: PIK3AP1 (phosphoinositide-3-kinase adaptor protein 1; minus strand). Cytogenetic location: 10q24.1.
Variant type: single nucleotide variant.
Coding change: c.382G>C on transcript NM_152309.3 (MANE Select); coding-DNA position 382, G replaced by C.
Protein change: p.Asp128His; replaces aspartic acid 128 with histidine.
Molecular consequence: missense variant.
Genome position (GRCh38, 1-based): chr10:96,709,615, C>G on the plus strand (G>C on the coding strand, the complement: PIK3AP1 is on the minus strand). VCF-style: chr10-96709615-C-G. GRCh37 (hg19) VCF-style: chr10-98469372-C-G.
Other names: short protein forms D128H.
Identifiers: ClinVar variation 842865 (VCV000842865.12), dbSNP rs1844410722, ClinGen allele CA377759102.
Genomic context (GRCh38, chr10:96,709,615, plus strand): 5'-AGAAATCCTTACCTTCGGAAATGGCTTTTTTCACAGCTGCCACGTAGGTCTCTGGCTCAT[C>G]GTCACAGGTGAGCTCCTGCCAATGGGCCCAATCTGGAAAGAAGTCTAGGAACTCCTCGCT-3'
Protein context (NP_689522.2, residues 118-138): WAHWQELTCD[Asp128His]EPETYVAAVK